The following is an entry in ClinVar:

NM_170707.4(LMNA):c.810+13G>A

Gene: LMNA (lamin A/C; plus strand). Cytogenetic location: 1q22.
Variant type: single nucleotide variant.
Coding change: c.810+13G>A on transcript NM_170707.4 (MANE Select); 13 bases into the intron after coding-DNA position 810, G replaced by A.
Molecular consequence: intron variant.
Genome position (GRCh38, 1-based): chr1:156,134,988, G>A. VCF-style: chr1-156134988-G-A. GRCh37 (hg19) VCF-style: chr1-156104779-G-A.
Other names: c.810+13G>A (NM_001282625.2, NM_001282626.2, NM_170708.4 and 1 more transcripts); c.474+13G>A (NM_001257374.3); c.567+13G>A (NM_001282624.2).
Identifiers: ClinVar variation 48085 (VCV000048085.11), dbSNP rs11264444, ClinGen allele CA018685.

ClinVar aggregate classification (germline): Likely benign. Review status: criteria provided, multiple submitters, no conflicts (2 of 4 stars). 2 submissions from 2 submitters: Likely benign (2). Last evaluated 2025-12-20.

Conditions:
Charcot-Marie-Tooth disease type 2. Also called: Charcot-Marie-Tooth type 2. Identifiers: Orphanet 64746, MedGen C0270914, MONDO:0018993.

gnomAD v4.1: 3 of 1,613,954 alleles (0.00019%); highest among the groups gnomAD compares: Non-Finnish European, 0.00025%; no homozygotes.

Submissions (2):

Labcorp Genetics (formerly Invitae), Labcorp
Classification: Likely benign for Charcot-Marie-Tooth disease type 2. Last evaluated: 2025-12-20. Review status: criteria provided, single submitter. Criteria: Invitae Variant Classification Sherloc (09022015). Collection method: clinical testing. Allele origin: germline.

Laboratory for Molecular Medicine, Mass General Brigham Personalized Medicine
Classification: Likely benign. Last evaluated: 2012-04-05. Review status: criteria provided, single submitter. Criteria: LMM Criteria. Collection method: clinical testing. Allele origin: germline. Observed: 1 variant allele.
Comment: 810+13G>A in intron 4 of LMNA: This variant is not expected to have clinical sig nificance because it is not located within the splice consensus sequence. 810+ 13G>A in intron 4 of LMNA (allele frequency = n/a)